The following is an entry in ClinVar:

NM_025179.4(PLXNA2):c.3013G>A (p.Val1005Met)

Gene: PLXNA2 (plexin A2; minus strand). Cytogenetic location: 1q32.2.
Variant type: single nucleotide variant.
Coding change: c.3013G>A on transcript NM_025179.4 (MANE Select); coding-DNA position 3013, G replaced by A.
Protein change: p.Val1005Met; replaces valine 1005 with methionine.
Molecular consequence: missense variant.
Genome position (GRCh38, 1-based): chr1:208,051,404, C>T on the plus strand (G>A on the coding strand, the complement: PLXNA2 is on the minus strand). VCF-style: chr1-208051404-C-T. GRCh37 (hg19) VCF-style: chr1-208224749-C-T.
Other names: c.3013G>A (NM_025179.3); short protein forms V1005M.
Identifiers: ClinVar variation 2882609 (VCV002882609.4), dbSNP rs949851527, ClinGen allele CA36711732.

ClinVar aggregate classification (germline): Uncertain significance. Review status: criteria provided, multiple submitters, no conflicts (2 of 4 stars). 2 submissions from 2 submitters: Uncertain significance (2). Last evaluated 2025-10-07.

Allele frequency attached by ClinVar (database versions not stated): TOPMed below 0.00001.
gnomAD v4.1: 11 of 1,610,732 alleles (0.00068%); highest among the groups gnomAD compares: East Asian, 0.0067%; no homozygotes.

Submissions (2):

Ambry Genetics
Classification: Uncertain significance. Last evaluated: 2025-10-07. Review status: criteria provided, single submitter. Criteria: Ambry Variant Classification Scheme 2023. Collection method: clinical testing. Allele origin: germline.

Labcorp Genetics (formerly Invitae), Labcorp
Classification: Uncertain significance. Last evaluated: 2023-08-17. Review status: criteria provided, single submitter. Criteria: Invitae Variant Classification Sherloc (09022015). Collection method: clinical testing. Allele origin: germline.
Comment: In summary, the available evidence is currently insufficient to determine the role of this variant in disease. Therefore, it has been classified as a Variant of Uncertain Significance. Advanced modeling of protein sequence and biophysical properties (such as structural, functional, and spatial information, amino acid conservation, physicochemical variation, residue mobility, and thermodynamic stability) performed at Invitae indicates that this missense variant is not expected to disrupt PLXNA2 protein function. This variant has not been reported in the literature in individuals affected with PLXNA2-related conditions. This variant is present in population databases (no rsID available, gnomAD 0.007%). This sequence change replaces valine, which is neutral and non-polar, with methionine, which is neutral and non-polar, at codon 1005 of the PLXNA2 protein (p.Val1005Met).